The following is an entry in ClinVar:

ClinVar aggregate classification (germline): Uncertain significance. Review status: criteria provided, multiple submitters, no conflicts (2 of 4 stars). 2 submissions from 2 submitters: Uncertain significance (2). Last evaluated 2024-06-19.

Submissions (2):

Labcorp Genetics (formerly Invitae), Labcorp
Classification: Uncertain significance. Last evaluated: 2024-06-19. Review status: criteria provided, single submitter. Criteria: Invitae Variant Classification Sherloc (09022015). Collection method: clinical testing. Allele origin: germline.
Comment: This sequence change replaces proline, which is neutral and non-polar, with leucine, which is neutral and non-polar, at codon 505 of the LRP5 protein (p.Pro505Leu). This variant is not present in population databases (gnomAD no frequency). This variant has not been reported in the literature in individuals affected with LRP5-related conditions. Advanced modeling of protein sequence and biophysical properties (such as structural, functional, and spatial information, amino acid conservation, physicochemical variation, residue mobility, and thermodynamic stability) performed at Invitae indicates that this missense variant is expected to disrupt LRP5 protein function with a positive predictive value of 95%. In summary, the available evidence is currently insufficient to determine the role of this variant in disease. Therefore, it has been classified as a Variant of Uncertain Significance.

GeneDx
Classification: Uncertain significance. Last evaluated: 2023-08-01. Review status: criteria provided, single submitter. Criteria: GeneDx Variant Classification Process June 2021. Collection method: clinical testing. Allele origin: germline. Affected: yes.
Comment: Not observed at significant frequency in large population cohorts (gnomAD); In silico analysis supports that this missense variant has a deleterious effect on protein structure/function; Has not been previously published as pathogenic or benign to our knowledge

NM_002335.4(LRP5):c.1514C>T (p.Pro505Leu)

Gene: LRP5 (LDL receptor related protein 5; plus strand). Cytogenetic location: 11q13.2.
Variant type: single nucleotide variant.
Coding change: c.1514C>T on transcript NM_002335.4 (MANE Select); coding-DNA position 1514, C replaced by T.
Protein change: p.Pro505Leu; replaces proline 505 with leucine.
Molecular consequence: missense variant. On other transcripts: intron variant (1).
Genome position (GRCh38, 1-based): chr11:68,389,982, C>T. VCF-style: chr11-68389982-C-T. GRCh37 (hg19) VCF-style: chr11-68157450-C-T.
Other names: c.-354+3270C>T (NM_001291902.2); short protein forms P505L.
Identifiers: ClinVar variation 3361917 (VCV003361917.3).
Genomic context (GRCh38, chr11:68,389,982, plus strand): 5'-AGTGTGCCAACTTGGATGGGCAGGAGCGGCGTGTGCTGGTCAATGCCTCCCTCGGGTGGC[C>T]CAACGGCCTGGCCCTGGACCTGCAGGAGGGGAAGCTCTACTGGGGAGACGCCAAGACAGA-3'
Protein context (NP_002326.2, residues 495-515): RVLVNASLGW[Pro505Leu]NGLALDLQEG